The following is an entry in ClinVar:

ClinVar aggregate classification (germline): Uncertain significance. Review status: criteria provided, multiple submitters, no conflicts (2 of 4 stars). 2 submissions from 2 submitters: Uncertain significance (2). Last evaluated 2025-02-27.

Allele frequency attached by ClinVar (database versions not stated): gnomAD exomes 0.00003; ExAC 0.00004.
gnomAD v4.1: 45 of 1,614,030 alleles (0.0028%); highest among the groups gnomAD compares: African/African-American, 0.008%; no homozygotes.

Submissions (2):

Ambry Genetics
Classification: Uncertain significance. Last evaluated: 2025-02-27. Review status: criteria provided, single submitter. Criteria: Ambry Variant Classification Scheme 2023. Collection method: clinical testing. Allele origin: germline.

Labcorp Genetics (formerly Invitae), Labcorp
Classification: Uncertain significance. Last evaluated: 2024-03-14. Review status: criteria provided, single submitter. Criteria: Invitae Variant Classification Sherloc (09022015). Collection method: clinical testing. Allele origin: germline.
Comment: This sequence change replaces arginine, which is basic and polar, with histidine, which is basic and polar, at codon 492 of the ARHGEF1 protein (p.Arg492His). This variant is present in population databases (rs782431103, gnomAD 0.008%). This variant has not been reported in the literature in individuals affected with ARHGEF1-related conditions. ClinVar contains an entry for this variant (Variation ID: 2418191). Algorithms developed to predict the effect of missense changes on protein structure and function output the following: SIFT: "Not Available"; PolyPhen-2: "Benign"; Align-GVGD: "Not Available". The histidine amino acid residue is found in multiple mammalian species, which suggests that this missense change does not adversely affect protein function. In summary, the available evidence is currently insufficient to determine the role of this variant in disease. Therefore, it has been classified as a Variant of Uncertain Significance.

NM_004706.4(ARHGEF1):c.1430G>A (p.Arg477His)

Gene: ARHGEF1 (Rho guanine nucleotide exchange factor 1; plus strand). Cytogenetic location: 19q13.2.
Variant type: single nucleotide variant.
Coding change: c.1430G>A on transcript NM_004706.4 (MANE Select); coding-DNA position 1430, G replaced by A.
Protein change: p.Arg477His; replaces arginine 477 with histidine.
Molecular consequence: missense variant. On other transcripts: non-coding transcript variant (2).
Genome position (GRCh38, 1-based): chr19:41,902,289, G>A. VCF-style: chr19-41902289-G-A. GRCh37 (hg19) VCF-style: chr19-42406439-G-A.
Other names: c.1598G>A, p.Arg533His (NM_001396000.1); c.1331G>A, p.Arg444His (NM_001396002.1, NM_001396004.1, NM_198977.2); c.1430G>A, p.Arg477His (NM_001396003.1, NM_001396006.1); c.1475G>A, p.Arg492His (NM_199002.2); c.1475G>A (NM_199002.1); short protein forms R444H, R477H, R492H, R533H.
Identifiers: ClinVar variation 2418191 (VCV002418191.7), dbSNP rs782431103, ClinGen allele CA9466373.